The following is an entry in ClinVar:

NM_000444.6(PHEX):c.2147+1G>A

Genes: PTCHD1-AS (PTCHD1 and PHEX antisense RNA; minus strand), PHEX (phosphate regulating endopeptidase X-linked; plus strand). Cytogenetic location: Xp22.11.
Variant type: single nucleotide variant.
Coding change: c.2147+1G>A on transcript NM_000444.6 (MANE Select); the canonical splice donor site of the intron after coding-DNA position 2147, G replaced by A.
Molecular consequence: splice donor variant. On other transcripts: intron variant (1).
Genome position (GRCh38, 1-based): chrX:22,245,410, G>A. VCF-style: chrX-22245410-G-A. GRCh37 (hg19) VCF-style: chrX-22263527-G-A.
Other names: c.2071-2441G>A (NM_001282754.2).
Identifiers: ClinVar variation 280592 (VCV000280592.11), dbSNP rs886041768, ClinGen allele CA10603578.
Genomic context (GRCh38, chrX:22,245,410, plus strand): 5'-CAGACCAGAAGCTGCCCGAGAACAAGTCCAAATTGGTGCTCACAGTCCCCCTCAGTTTAG[G>A]TAAATGGGCAAATGGGTGACGGCAGTTTTTAACTGTACATCTCCCCCCTTCCTCCCCCAC-3'

ClinVar aggregate classification (germline): Pathogenic. Review status: criteria provided, multiple submitters, no conflicts (2 of 4 stars). 2 submissions from 2 submitters: Pathogenic (2). Last evaluated 2025-07-22.

Submissions (2):

Labcorp Genetics (formerly Invitae), Labcorp
Classification: Pathogenic. Last evaluated: 2025-07-22. Review status: criteria provided, single submitter. Criteria: Invitae Variant Classification Sherloc (09022015). Collection method: clinical testing. Allele origin: germline.
Comment: This sequence change affects a donor splice site in intron 21 of the PHEX gene. While this variant is not anticipated to result in nonsense mediated decay, it likely alters RNA splicing and results in a disrupted protein product. This variant is not present in population databases (gnomAD no frequency). Disruption of this splice site has been observed in individual(s) with hypophosphatemic rickets (PMID: 26051471, 28397222; internal data). ClinVar contains an entry for this variant (Variation ID: 280592). Variants that disrupt the consensus splice site are a relatively common cause of aberrant splicing (PMID: 17576681, 9536098). Algorithms developed to predict the effect of sequence changes on RNA splicing suggest that this variant may disrupt the consensus splice site. This variant disrupts a region of the PHEX protein in which other variant(s) (p.Arg747*) have been determined to be pathogenic (PMID: 9199930, 9768674). This suggests that this is a clinically significant region of the protein, and that variants that disrupt it are likely to be disease-causing. For these reasons, this variant has been classified as Pathogenic.

GeneDx
Classification: Pathogenic. Last evaluated: 2016-05-24. Review status: criteria provided, single submitter. Criteria: GeneDx Variant Classification (06012015). Collection method: clinical testing. Allele origin: germline. Affected: yes.
Comment: The c.2147+1 G>A splice site variant in the PHEX gene destroys the canonical splice donor site in intron 21. It is predicted to cause abnormal gene splicing, either leading to an abnormal message that is subject to nonsense-mediated mRNA decay, or to an abnormal protein product if the message is used for protein translation. The variant was not observed in approximately 6,500 individuals of European and African American ancestry in the NHLBI Exome Sequencing Project, indicating it is not a common benign variant in these populations. Although this pathogenic variant has not been previously reported to our knowledge, its presence is consistent with a diagnosis of X-linked hypophosphatemic rickets

Literature cited by the submitters: PubMed 26051471 (cited by Labcorp Genetics (formerly Invitae), Labcorp); PubMed 28397222 (cited by Labcorp Genetics (formerly Invitae), Labcorp); PubMed 17576681 (cited by Labcorp Genetics (formerly Invitae), Labcorp); PubMed 9536098 (cited by Labcorp Genetics (formerly Invitae), Labcorp); PubMed 9199930 (cited by Labcorp Genetics (formerly Invitae), Labcorp); PubMed 9768674 (cited by Labcorp Genetics (formerly Invitae), Labcorp).